The following is an entry in ClinVar:

ClinVar aggregate classification (germline): Uncertain significance (1 of 4 stars; one submission).

Conditions:
Familial adenomatous polyposis 1 (FAP1). Also called: FAMILIAL ADENOMATOUS POLYPOSIS 1, ATTENUATED; POLYPOSIS, ADENOMATOUS INTESTINAL. Identifiers: MedGen C2713442, MONDO:0021056, OMIM 175100. Disease mechanism: loss of function.

Allele frequency attached by ClinVar (database versions not stated): gnomAD exomes below 0.00001.

Submission:

Labcorp Genetics (formerly Invitae), Labcorp
Classification: Uncertain significance for Familial adenomatous polyposis 1. Last evaluated: 2025-11-05. Review status: criteria provided, single submitter. Criteria: Invitae Variant Classification Sherloc (09022015). Collection method: clinical testing. Allele origin: germline.
Comment: This variant occurs in a non-coding region of the APC gene. It does not change the encoded amino acid sequence of the APC protein. This variant is not present in population databases (gnomAD no frequency). This variant has not been reported in the literature in individuals affected with APC-related conditions. ClinVar contains an entry for this variant (Variation ID: 537656). Experimental studies and prediction algorithms are not available or were not evaluated, and the functional significance of this variant is currently unknown. In summary, the available evidence is currently insufficient to determine the role of this variant in disease. Therefore, it has been classified as a Variant of Uncertain Significance.

NC_000005.10:g.112707401C>G

Gene: APC (APC regulator of Wnt signaling pathway; plus strand). Cytogenetic location: 5q22.2.
Variant type: single nucleotide variant.
Genome position: GRCh38 VCF-style: chr5-112707401-C-G. GRCh37 (hg19) VCF-style: chr5-112043098-C-G.
Identifiers: ClinVar variation 537656 (VCV000537656.11), dbSNP rs1554060135, ClinGen allele CA658796590.